The following is an entry in ClinVar:

ClinVar aggregate classification (germline): Uncertain significance. Review status: criteria provided, multiple submitters, no conflicts (2 of 4 stars). 2 submissions from 2 submitters: Uncertain significance (2). Last evaluated 2026-08-28.

Conditions:
Cohen syndrome (COH1). Also called: PEPPER SYNDROME; Cutis verticis gyrata, retinitis pigmentosa, and sensorineural deafness. Identifiers: Orphanet 193, MedGen C0265223, MONDO:0008999, OMIM 216550.
VPS13B-related disorder. Also called: VPS13B-related condition.

Allele frequency attached by ClinVar (database versions not stated): gnomAD exomes below 0.00001; TOPMed below 0.00001.
gnomAD v4.1: 2 of 1,613,702 alleles (0.00012%); highest among the groups gnomAD compares: Admixed American, 0.0033%; no homozygotes.

Submissions (2):

PreventionGenetics, part of Exact Sciences
Classification: Uncertain significance for VPS13B-related condition. Last evaluated: 2026-08-28. Review status: criteria provided, single submitter. Criteria: ACMG Guidelines, 2015. Collection method: clinical testing. Allele origin: germline.
Comment: The VPS13B c.4708C>G variant is predicted to result in the amino acid substitution p.Pro1570Ala. To our knowledge, this variant has not been reported in the literature or in a large population database (gnomAD), indicating this variant is rare. At this time, the clinical significance of this variant is uncertain due to the absence of conclusive functional and genetic evidence.

Labcorp Genetics (formerly Invitae), Labcorp
Classification: Uncertain significance for Cohen syndrome. Last evaluated: 2022-11-08. Review status: criteria provided, single submitter. Criteria: Invitae Variant Classification Sherloc (09022015). Collection method: clinical testing. Allele origin: germline.
Comment: This variant has not been reported in the literature in individuals affected with VPS13B-related conditions. In summary, the available evidence is currently insufficient to determine the role of this variant in disease. Therefore, it has been classified as a Variant of Uncertain Significance. Advanced modeling of protein sequence and biophysical properties (such as structural, functional, and spatial information, amino acid conservation, physicochemical variation, residue mobility, and thermodynamic stability) performed at Invitae indicates that this missense variant is expected to disrupt VPS13B protein function. ClinVar contains an entry for this variant (Variation ID: 1440805). This variant is not present in population databases (gnomAD no frequency). This sequence change replaces proline, which is neutral and non-polar, with alanine, which is neutral and non-polar, at codon 1595 of the VPS13B protein (p.Pro1595Ala).

NM_152564.5(VPS13B):c.4708C>G (p.Pro1570Ala)

Gene: VPS13B (vacuolar protein sorting 13 homolog B; plus strand). Cytogenetic location: 8q22.2.
Variant type: single nucleotide variant.
Coding change: c.4708C>G on transcript NM_152564.5 (MANE Select); coding-DNA position 4708, C replaced by G.
Protein change: p.Pro1570Ala; replaces proline 1570 with alanine.
Molecular consequence: missense variant.
Genome position (GRCh38, 1-based): chr8:99,520,973, C>G. VCF-style: chr8-99520973-C-G. GRCh37 (hg19) VCF-style: chr8-100533201-C-G.
Other names: c.4708C>G (NM_152564.4); c.4783C>G, p.Pro1595Ala (NM_017890.5); short protein forms P1570A, P1595A.
Identifiers: ClinVar variation 1440805 (VCV001440805.9), dbSNP rs1822354960, ClinGen allele CA371866536.